The following is an entry in ClinVar:

ClinVar aggregate classification (germline): Likely benign. Review status: criteria provided, single submitter (1 of 4 stars). 2 submissions from 2 submitters: Likely benign (1). 1 of the submissions does not count toward it. Last evaluated 2020-12-17.

Conditions:
Joubert syndrome. Also called: CEREBELLOPARENCHYMAL DISORDER IV; JOUBERT-BOLTSHAUSER SYNDROME; Familial aplasia of the vermis. Identifiers: Orphanet 475, MedGen C5979921, MONDO:0018772.
Nephronophthisis. Also called: Juvenile Nephronophthisis. Identifiers: Orphanet 655, MedGen C0687120, MONDO:0019005, HP:0000090.
Meckel-Gruber syndrome. Also called: DYSENCEPHALIA SPLANCHNOCYSTICA; GRUBER SYNDROME; Dysencephalia splachnocystica. Identifiers: Orphanet 564, MedGen C0265215, MONDO:0018921.
CEP290-related disorder. Also called: CEP290-related condition; CEP290-related disorders. Identifiers: MedGen CN239314.

gnomAD v4.1: 3 of 1,613,814 alleles (0.00019%); highest among the groups gnomAD compares: Admixed American, 0.0033%; no homozygotes.

Submissions (2):

Labcorp Genetics (formerly Invitae), Labcorp
Classification: Likely benign for Joubert syndrome; Meckel-Gruber syndrome; Nephronophthisis. Last evaluated: 2020-12-17. Review status: criteria provided, single submitter. Criteria: Invitae Variant Classification Sherloc (09022015). Collection method: clinical testing. Allele origin: germline.

PreventionGenetics, part of Exact Sciences
Classification: Likely benign for CEP290-related condition. Last evaluated: 2021-05-04. Review status: no assertion criteria provided. Collection method: clinical testing. Allele origin: germline. Not counted in ClinVar's aggregate classification.
Comment: This variant is classified as likely benign based on ACMG/AMP sequence variant interpretation guidelines (Richards et al. 2015 PMID: 25741868, with internal and published modifications).

NM_025114.4(CEP290):c.4566A>C (p.Leu1522=)

Gene: CEP290 (centrosomal protein 290; minus strand). Cytogenetic location: 12q21.32.
Variant type: single nucleotide variant.
Coding change: c.4566A>C on transcript NM_025114.4 (MANE Select); coding-DNA position 4566, A replaced by C.
Protein change: p.Leu1522=; no amino-acid change (leucine 1522 retained).
Molecular consequence: synonymous variant.
Genome position (GRCh38, 1-based): chr12:88,084,724, T>G on the plus strand (A>C on the coding strand, the complement: CEP290 is on the minus strand). VCF-style: chr12-88084724-T-G. GRCh37 (hg19) VCF-style: chr12-88478501-T-G.
Other names: c.4566A>C (NM_025114.3).
Identifiers: ClinVar variation 1628649 (VCV001628649.11), dbSNP rs763991371, ClinGen allele CA241160137.